The following is an entry in ClinVar:

ClinVar aggregate classification (germline): Uncertain significance (1 of 4 stars; one submission).

Conditions:
Hereditary cancer-predisposing syndrome. Also called: Neoplastic Syndromes, Hereditary; Tumor predisposition; Hereditary Cancer Syndrome; Hereditary neoplastic syndrome. Identifiers: Orphanet 140162, MedGen C0027672, MeSH D009386, MONDO:0015356.

Submission:

Ambry Genetics
Classification: Uncertain significance for Hereditary cancer-predisposing syndrome. Last evaluated: 2026-01-29. Review status: criteria provided, single submitter. Criteria: Ambry Variant Classification Scheme 2023. Collection method: clinical testing. Allele origin: germline.
Comment: The p.D459Y variant (also known as c.1375G>T), located in coding exon 10 of the SDHA gene, results from a G to T substitution at nucleotide position 1375. The aspartic acid at codon 459 is replaced by tyrosine, an amino acid with highly dissimilar properties. This amino acid position is highly conserved in available vertebrate species. In addition, this alteration is predicted to be deleterious by in silico analysis. Based on the available evidence, the clinical significance of this variant remains unclear.

NM_004168.4(SDHA):c.1375G>T (p.Asp459Tyr)

Gene: SDHA (succinate dehydrogenase complex flavoprotein subunit A; plus strand). Cytogenetic location: 5p15.33.
Variant type: single nucleotide variant.
Coding change: c.1375G>T on transcript NM_004168.4 (MANE Select); coding-DNA position 1375, G replaced by T.
Protein change: p.Asp459Tyr; replaces aspartic acid 459 with tyrosine.
Molecular consequence: missense variant.
Genome position (GRCh38, 1-based): chr5:236,542, G>T. VCF-style: chr5-236542-G-T. GRCh37 (hg19) VCF-style: chr5-236657-G-T.
Other names: c.1231G>T, p.Asp411Tyr (NM_001294332.2); c.1375G>T, p.Asp459Tyr (NM_001330758.2); short protein forms D411Y, D459Y.
Identifiers: ClinVar variation 2567102 (VCV002567102.3), dbSNP rs1735797208, ClinGen allele CA359014030.